The following is an entry in ClinVar:

NM_007294.4(BRCA1):c.276T>C (p.Ala92=)

Gene: BRCA1 (BRCA1 DNA repair associated; minus strand). Cytogenetic location: 17q21.31.
Variant type: single nucleotide variant.
Coding change: c.276T>C on transcript NM_007294.4 (MANE Select); coding-DNA position 276, T replaced by C.
Protein change: p.Ala92=; no amino-acid change (alanine 92 retained).
Molecular consequence: synonymous variant. On other transcripts: 5 prime UTR variant (7), intron variant (2).
Genome position (GRCh38, 1-based): chr17:43,104,893, A>G on the plus strand (T>C on the coding strand, the complement: BRCA1 is on the minus strand). VCF-style: chr17-43104893-A-G. GRCh37 (hg19) VCF-style: chr17-41256910-A-G.
Other names: c.276T>C, p.Ala92= (NM_001408435.1, NM_001408436.1, NM_001408437.1 and 168 more transcripts); c.144T>C, p.Ala48= (NM_001408451.1); c.135T>C, p.Ala45= (NM_001408452.1, NM_001408453.1, NM_001408454.1 and 99 more transcripts); c.198T>C, p.Ala66= (NM_001408474.1, NM_001408475.1, NM_001408476.1 and 21 more transcripts); c.66T>C, p.Ala22= (NM_001408478.1, NM_001408479.1, NM_001408480.1 and 58 more transcripts); c.-106T>C (NM_001408510.1, NM_001408512.1, NM_001407959.1 and 4 more transcripts); c.-218-10033T>C (NM_001407967.1, NM_001407966.1).
Identifiers: ClinVar variation 868820 (VCV000868820.3), dbSNP rs2054677953, ClinGen allele CA500127512.

Conditions:
Breast-ovarian cancer, familial, susceptibility to, 1 (BROVCA1). Also called: BRCA1 Hereditary Breast and Ovarian Cancer; OVARIAN CANCER, SUSCEPTIBILITY TO. Identifiers: Orphanet 145, MedGen C2676676, MONDO:0011450, OMIM 604370. Disease mechanism: loss of function.

Submission:

Brotman Baty Institute, University of Washington
No classification provided (evidence only). Condition: Breast-ovarian cancer, familial 1. Review status: no classification provided. Collection method: in vitro. Allele origin: not applicable. Functional consequence: functionally_normal.
ClinVar note: "not provided" was previously submitted as the classification for the variant. However, the classification appeared to be based only on an observation of functional data so it was converted to no classification on 2025-07-30.